The following is an entry in ClinVar:

NM_173354.5(SIK1):c.1658A>C (p.Gln553Pro)

Gene: SIK1 (salt inducible kinase 1; minus strand). Cytogenetic location: 21q22.3.
Variant type: single nucleotide variant.
Coding change: c.1658A>C on transcript NM_173354.5 (MANE Select); coding-DNA position 1658, A replaced by C.
Protein change: p.Gln553Pro; replaces glutamine 553 with proline.
Molecular consequence: missense variant.
Genome position (GRCh38, 1-based): chr21:43,418,346, T>G on the plus strand (A>C on the coding strand, the complement: SIK1 is on the minus strand). VCF-style: chr21-43418346-T-G. GRCh37 (hg19) VCF-style: chr21-44838226-T-G.
Other names: short protein forms Q553P.
Identifiers: ClinVar variation 3377537 (VCV003377537.1).

ClinVar aggregate classification (germline): Uncertain significance (1 of 4 stars; one submission).

Conditions:
Developmental and epileptic encephalopathy, 30 (DEE30). Also called: Epileptic encephalopathy, early infantile, 30. Identifiers: MedGen C4225360, MONDO:0014595, OMIM 616341.

Submission:

Neuberg Centre For Genomic Medicine, NCGM
Classification: Uncertain significance for Developmental and epileptic encephalopathy, 30. Last evaluated: 2023-06-22. Review status: criteria provided, single submitter. Criteria: ACMG Guidelines, 2015. Collection method: clinical testing. Allele origin: germline. Inheritance: Autosomal dominant inheritance. Affected: yes.
Comment: The missense c.1658A>C (p.Gln553Pro) variant in the SIK1 gene has not been reported previously as a pathogenic variant nor as a benign variant, to our knowledge. This variant is absent in the gnomAD Exomes. The amino acid Glutamine at position 553 is changed to a Proline changing protein sequence and it might alter its composition and physico-chemical properties. Multiple lines of computational evidence (Polyphen - Probably damaging, SIFT – Damaging and MutationTaster - Disease causing) predict a damaging effect on protein structure and function for this variant. The amino acid Glutamine in SIK1 is predicted as conserved by GERP++ and PhyloP across 100 vertebrates. For these reasons, this variant has been classified as Uncertain Significance.